The following is an entry in ClinVar:

ClinVar aggregate classification (germline): Likely benign. Review status: criteria provided, multiple submitters, no conflicts (2 of 4 stars). 2 submissions from 2 submitters: Likely benign (2). Last evaluated 2022-10-01.

Allele frequency attached by ClinVar (database versions not stated): gnomAD exomes below 0.00001 and 0.00001; TOPMed below 0.00001; gnomAD 0.00001.
gnomAD v4.1: 9 of 1,613,910 alleles (0.00056%); highest among the groups gnomAD compares: African/African-American, 0.0013%; no homozygotes.

Submissions (2):

Labcorp Genetics (formerly Invitae), Labcorp
Classification: Likely benign. Last evaluated: 2022-10-01. Review status: criteria provided, single submitter. Criteria: Invitae Variant Classification Sherloc (09022015). Collection method: clinical testing. Allele origin: germline.

Laboratory for Molecular Medicine, Mass General Brigham Personalized Medicine
Classification: Likely benign. Last evaluated: 2017-03-13. Review status: criteria provided, single submitter. Criteria: LMM Criteria. Collection method: clinical testing. Allele origin: germline. Observed: 1 variant allele.
Comment: p.Leu217Leu in exon 5 of CACNA1D: This variant is not expected to have clinical significance because it does not alter an amino acid residue and is not located within the splice consensus sequence.

NM_001128840.3(CACNA1D):c.649T>C (p.Leu217=)

Gene: CACNA1D (calcium voltage-gated channel subunit alpha1 D; plus strand). Cytogenetic location: 3p21.1.
Variant type: single nucleotide variant.
Coding change: c.649T>C on transcript NM_001128840.3 (MANE Select); coding-DNA position 649, T replaced by C.
Protein change: p.Leu217=; no amino-acid change (leucine 217 retained).
Molecular consequence: synonymous variant.
Genome position (GRCh38, 1-based): chr3:53,660,158, T>C. VCF-style: chr3-53660158-T-C. GRCh37 (hg19) VCF-style: chr3-53694185-T-C.
Other names: c.649T>C, p.Leu217= (NM_000720.4, NM_001128839.3).
Identifiers: ClinVar variation 517328 (VCV000517328.8), dbSNP rs1263485007, ClinGen allele CA433828761.
Genomic context (GRCh38, chr3:53,660,158, plus strand): 5'-GACTCTAACATTTCTTTCTCTTTCTCTTCTTTCAGATTGTTTAGTGTAATTTTGGAACAA[T>C]TAACCAAAGAAACAGAAGGCGGGAACCACTCAAGCGGCAAATCTGGAGGCTTTGATGTCA-3'
Protein context (NP_001122312.1, residues 207-227): VGLFSVILEQ[Leu217=]TKETEGGNHS